The following is an entry in ClinVar:

NM_000264.5(PTCH1):c.2007C>T (p.Asp669=)

Genes: PTCH1 (patched 1; minus strand), LOC100507346 (uncharacterized LOC100507346; plus strand). Cytogenetic location: 9q22.32.
Variant type: single nucleotide variant.
Coding change: c.2007C>T on transcript NM_000264.5 (MANE Select); coding-DNA position 2007, C replaced by T.
Protein change: p.Asp669=; no amino-acid change (aspartic acid 669 retained).
Molecular consequence: synonymous variant. On other transcripts: non-coding transcript variant (2).
Genome position (GRCh38, 1-based): chr9:95,468,994, G>A on the plus strand (C>T on the coding strand, the complement: PTCH1 is on the minus strand). VCF-style: chr9-95468994-G-A. GRCh37 (hg19) VCF-style: chr9-98231276-G-A.
Other names: c.1809C>T, p.Asp603= (NM_001083602.3); c.2004C>T, p.Asp668= (NM_001083603.3); c.1554C>T, p.Asp518= (NM_001083604.3, NM_001083605.3, NM_001083606.3 and 1 more transcripts); c.1851C>T, p.Asp617= (NM_001354918.2).
Identifiers: ClinVar variation 1784339 (VCV001784339.6), dbSNP rs2118046380, ClinGen allele CA466352559.

ClinVar aggregate classification (germline): Likely benign. Review status: criteria provided, multiple submitters, no conflicts (2 of 4 stars). 3 submissions from 3 submitters: Likely benign (2). 1 of the submissions does not count toward it. Last evaluated 2024-05-12.

Conditions:
Gorlin syndrome. Also called: Nevoid Basal Cell Carcinoma Syndrome; Basal cell nevus syndrome. Identifiers: Orphanet 377, MedGen C0004779, MONDO:0007187.
PTCH1-related disorder. Also called: PTCH1-related disorders; PTCH1-related condition.
Hereditary cancer-predisposing syndrome. Also called: Tumor predisposition; Neoplastic Syndromes, Hereditary; Hereditary Cancer Syndrome; Hereditary neoplastic syndrome. Identifiers: Orphanet 140162, MedGen C0027672, MeSH D009386, MONDO:0015356.

gnomAD v4.1: 2 of 1,614,070 alleles (0.00012%); highest among the groups gnomAD compares: East Asian, 0.0022%; no homozygotes.

Submissions (3):

Labcorp Genetics (formerly Invitae), Labcorp
Classification: Likely benign for Gorlin syndrome. Last evaluated: 2024-05-12. Review status: criteria provided, single submitter. Criteria: Invitae Variant Classification Sherloc (09022015). Collection method: clinical testing. Allele origin: germline.

Ambry Genetics
Classification: Likely benign for Hereditary cancer-predisposing syndrome. Last evaluated: 2021-08-13. Review status: criteria provided, single submitter. Criteria: Ambry Variant Classification Scheme 2023. Collection method: clinical testing. Allele origin: germline.

PreventionGenetics, part of Exact Sciences
Classification: Likely benign for PTCH1-related condition. Last evaluated: 2022-04-25. Review status: no assertion criteria provided. Collection method: clinical testing. Allele origin: germline. Not counted in ClinVar's aggregate classification.
Comment: This variant is classified as likely benign based on ACMG/AMP sequence variant interpretation guidelines (Richards et al. 2015 PMID: 25741868, with internal and published modifications).